The following is an entry in ClinVar:

ClinVar aggregate classification (germline): Uncertain significance (1 of 4 stars; one submission).

Conditions:
Duchenne muscular dystrophy (DMD). Also called: Duchenne Muscular Dystrophy (DMD); MUSCULAR DYSTROPHY, PSEUDOHYPERTROPHIC PROGRESSIVE, DUCHENNE TYPE. Identifiers: Orphanet 98896, MedGen C0013264, MONDO:0010679, OMIM 310200.

Allele frequency attached by ClinVar (database versions not stated): gnomAD exomes below 0.00001; gnomAD 0.00001.
gnomAD v4.1: 3 of 1,206,809 alleles (0.00025%); highest among the groups gnomAD compares: African/African-American, 0.0018%; no homozygotes.

Submission:

Labcorp Genetics (formerly Invitae), Labcorp
Classification: Uncertain significance for Duchenne muscular dystrophy. Last evaluated: 2024-09-22. Review status: criteria provided, single submitter. Criteria: Invitae Variant Classification Sherloc (09022015). Collection method: clinical testing. Allele origin: germline.
Comment: This sequence change replaces glycine, which is neutral and non-polar, with cysteine, which is neutral and slightly polar, at codon 2501 of the DMD protein (p.Gly2501Cys). This variant is not present in population databases (gnomAD no frequency). This variant has not been reported in the literature in individuals affected with DMD-related conditions. ClinVar contains an entry for this variant (Variation ID: 1467872). Invitae Evidence Modeling of protein sequence and biophysical properties (such as structural, functional, and spatial information, amino acid conservation, physicochemical variation, residue mobility, and thermodynamic stability) indicates that this missense variant is not expected to disrupt DMD protein function with a negative predictive value of 95%. In summary, the available evidence is currently insufficient to determine the role of this variant in disease. Therefore, it has been classified as a Variant of Uncertain Significance.

NM_004006.3(DMD):c.7501G>T (p.Gly2501Cys)

Gene: DMD (dystrophin; minus strand). Cytogenetic location: Xp21.1.
Variant type: single nucleotide variant.
Coding change: c.7501G>T on transcript NM_004006.3 (MANE Select); coding-DNA position 7501, G replaced by T.
Protein change: p.Gly2501Cys; replaces glycine 2501 with cysteine.
Molecular consequence: missense variant.
Genome position (GRCh38, 1-based): chrX:31,774,001, C>A on the plus strand (G>T on the coding strand, the complement: DMD is on the minus strand). VCF-style: chrX-31774001-C-A. GRCh37 (hg19) VCF-style: chrX-31792118-C-A.
Other names: c.7477G>T, p.Gly2493Cys (NM_000109.4); c.7489G>T, p.Gly2497Cys (NM_004009.3); c.7132G>T, p.Gly2378Cys (NM_004010.3); c.3478G>T, p.Gly1160Cys (NM_004011.4); c.3469G>T, p.Gly1157Cys (NM_004012.4); c.121G>T, p.Gly41Cys (NM_004013.3, NM_004020.4, NM_004021.3 and 2 more transcripts); short protein forms G2378C, G2497C, G1160C, G1157C, G2493C, G41C, G2501C.
Identifiers: ClinVar variation 1467872 (VCV001467872.6), dbSNP rs1240812601, ClinGen allele CA412658763.